The following is an entry in ClinVar:

NM_001429.4(EP300):c.6571C>T (p.Gln2191Ter)

Gene: EP300 (E1A binding protein p300; plus strand). Cytogenetic location: 22q13.2.
Variant type: single nucleotide variant.
Coding change: c.6571C>T on transcript NM_001429.4 (MANE Select); coding-DNA position 6571, C replaced by T.
Protein change: p.Gln2191Ter; replaces glutamine 2191 with a stop codon.
Molecular consequence: nonsense.
Genome position (GRCh38, 1-based): chr22:41,178,282, C>T. VCF-style: chr22-41178282-C-T. GRCh37 (hg19) VCF-style: chr22-41574286-C-T.
Other names: c.6493C>T, p.Gln2165Ter (NM_001362843.2); short protein forms Q2165*, Q2191*.
Identifiers: ClinVar variation 3349291 (VCV003349291.1).

ClinVar aggregate classification (germline): Likely pathogenic (0 of 4 stars; one submission).

Conditions:
EP300-related disorder. Also called: EP300-related condition; EP300-related disorders.

gnomAD v4.1: 1 of 1,613,686 alleles (0.000062%); highest among the groups gnomAD compares: Non-Finnish European, 0.000085%; no homozygotes.

Submission:

PreventionGenetics, part of Exact Sciences
Classification: Likely pathogenic for EP300-related condition. Last evaluated: 2024-03-19. Review status: no assertion criteria provided. Collection method: clinical testing. Allele origin: germline.
Comment: The EP300 c.6571C>T variant is predicted to result in premature protein termination (p.Gln2191*). To our knowledge, this variant has not been reported in the literature or in a large population database, indicating this variant is rare. Nonsense variants in EP300 are expected to be pathogenic. This variant is interpreted as likely pathogenic.